The following is an entry in ClinVar:

NM_031885.5(BBS2):c.1163C>A (p.Ser388Ter)

Gene: BBS2 (Bardet-Biedl syndrome 2; minus strand). Cytogenetic location: 16q13.
Variant type: single nucleotide variant.
Coding change: c.1163C>A on transcript NM_031885.5 (MANE Select); coding-DNA position 1163, C replaced by A.
Protein change: p.Ser388Ter; replaces serine 388 with a stop codon.
Molecular consequence: nonsense. On other transcripts: non-coding transcript variant (5).
Genome position (GRCh38, 1-based): chr16:56,501,415, G>T on the plus strand (C>A on the coding strand, the complement: BBS2 is on the minus strand). VCF-style: chr16-56501415-G-T. GRCh37 (hg19) VCF-style: chr16-56535327-G-T.
Other names: c.1163C>A, p.Ser388Ter (NM_001377456.1); c.1163C>A (NM_031885.3); short protein forms S388*.
Identifiers: ClinVar variation 1962207 (VCV001962207.7), dbSNP rs745820842, ClinGen allele CA395979950.
Genomic context (GRCh38, chr16:56,501,415, plus strand): 5'-TTAGAAGTGGAAATGCGTAATTCTGTATGAGCAGTTTGGGTCTCATTCCCCAGGCTGACT[G>T]AGAGCGTGGTGTGGAGCCTGGTATTGGCTGGGATTATGCCCCGATGCCCATCAGCCTCGT-3'

ClinVar aggregate classification (germline): Pathogenic/Likely pathogenic. Review status: criteria provided, multiple submitters, no conflicts (2 of 4 stars). 2 submissions from 2 submitters: Pathogenic (1); Likely pathogenic (1). Last evaluated 2025-05-08.

Conditions:
Bardet-Biedl syndrome (BBS). Identifiers: Orphanet 110, MedGen C0752166, MONDO:0015229.
Bardet-Biedl syndrome 2 (BBS2). Identifiers: Orphanet 110, MedGen C2936863, MONDO:0014432, OMIM 615981.

Submissions (2):

Natera, Inc.
Classification: Likely pathogenic for Bardet-Biedl syndrome type 2. Last evaluated: 2025-05-08. Review status: criteria provided, single submitter. Criteria: Natera Variant Classification Schema (03/2026). Collection method: clinical testing. Allele origin: germline.
Comment: The c.1163C>A variant in BBS2 is a nonsense variant predicted to introduce a stop codon at amino acid 388. This variant is expected to result in nonsense mediated decay, truncation, or a dysfunctional protein product. This variant is rare in the general population with a frequency below the threshold expected for the associated phenotype(s). Given the available evidence, this variant is classified as Likely Pathogenic.

Labcorp Genetics (formerly Invitae), Labcorp
Classification: Pathogenic for Bardet-Biedl syndrome. Last evaluated: 2022-02-28. Review status: criteria provided, single submitter. Criteria: Invitae Variant Classification Sherloc (09022015). Collection method: clinical testing. Allele origin: germline.
Comment: For these reasons, this variant has been classified as Pathogenic. This variant has not been reported in the literature in individuals affected with BBS2-related conditions. This variant is not present in population databases (gnomAD no frequency). This sequence change creates a premature translational stop signal (p.Ser388*) in the BBS2 gene. It is expected to result in an absent or disrupted protein product. Loss-of-function variants in BBS2 are known to be pathogenic (PMID: 11285252, 20177705, 24608809, 26518167).

Literature cited by the submitters: PubMed 11285252 (cited by Labcorp Genetics (formerly Invitae), Labcorp); PubMed 20177705 (cited by Labcorp Genetics (formerly Invitae), Labcorp); PubMed 24608809 (cited by Labcorp Genetics (formerly Invitae), Labcorp); PubMed 26518167 (cited by Labcorp Genetics (formerly Invitae), Labcorp).